The following is an entry in ClinVar:

NM_005228.5(EGFR):c.2785A>G (p.Lys929Glu)

Gene: EGFR (epidermal growth factor receptor; plus strand). Cytogenetic location: 7p11.2.
Variant type: single nucleotide variant.
Coding change: c.2785A>G on transcript NM_005228.5 (MANE Select); coding-DNA position 2785, A replaced by G.
Protein change: p.Lys929Glu; replaces lysine 929 with glutamic acid.
Molecular consequence: missense variant.
Genome position (GRCh38, 1-based): chr7:55,198,800, A>G. VCF-style: chr7-55198800-A-G. GRCh37 (hg19) VCF-style: chr7-55266493-A-G.
Other names: c.2650A>G, p.Lys884Glu (NM_001346897.2, NM_001346899.2); c.2785A>G, p.Lys929Glu (NM_001346898.2); c.2626A>G, p.Lys876Glu (NM_001346900.2); c.1984A>G, p.Lys662Glu (NM_001346941.2); short protein forms K662E, K884E, K876E, K929E.
Identifiers: ClinVar variation 1378361 (VCV001378361.8), dbSNP rs2128968796, ClinGen allele CA367581351.

ClinVar aggregate classification (germline): Uncertain significance (1 of 4 stars; one submission).

Conditions:
EGFR-related lung cancer (EGFR). Identifiers: MedGen CN130014.

Allele frequency attached by ClinVar (database versions not stated): gnomAD exomes below 0.00001.
gnomAD v4.1: 1 of 1,614,174 alleles (0.000062%); highest among the groups gnomAD compares: Non-Finnish European, 0.000085%; no homozygotes.

Submission:

Labcorp Genetics (formerly Invitae), Labcorp
Classification: Uncertain significance for EGFR-related lung cancer. Last evaluated: 2025-01-29. Review status: criteria provided, single submitter. Criteria: Invitae Variant Classification Sherloc (09022015). Collection method: clinical testing. Allele origin: germline.
Comment: This sequence change replaces lysine, which is basic and polar, with glutamic acid, which is acidic and polar, at codon 929 of the EGFR protein (p.Lys929Glu). This variant is not present in population databases (gnomAD no frequency). This variant has not been reported in the literature in individuals affected with EGFR-related conditions. ClinVar contains an entry for this variant (Variation ID: 1378361). Invitae Evidence Modeling of protein sequence and biophysical properties (such as structural, functional, and spatial information, amino acid conservation, physicochemical variation, residue mobility, and thermodynamic stability) indicates that this missense variant is not expected to disrupt EGFR protein function with a negative predictive value of 80%. In summary, the available evidence is currently insufficient to determine the role of this variant in disease. Therefore, it has been classified as a Variant of Uncertain Significance.